The following is an entry in ClinVar:

ClinVar aggregate classification (germline): Uncertain significance (1 of 4 stars; one submission).

Conditions:
Nemaline myopathy 6 (NEM6). Also called: Nemaline myopathy 6, autosomal dominant. Identifiers: Orphanet 171439, MedGen C1836472, MONDO:0012237, OMIM 609273.

gnomAD v4.1: 13 of 1,591,908 alleles (0.00082%); highest among the groups gnomAD compares: Non-Finnish European, 0.0011%; no homozygotes.

Submission:

Labcorp Genetics (formerly Invitae), Labcorp
Classification: Uncertain significance for Nemaline myopathy 6. Last evaluated: 2022-08-15. Review status: criteria provided, single submitter. Criteria: Invitae Variant Classification Sherloc (09022015). Collection method: clinical testing. Allele origin: germline.
Comment: Algorithms developed to predict the effect of missense changes on protein structure and function (SIFT, PolyPhen-2, Align-GVGD) all suggest that this variant is likely to be tolerated. In summary, the available evidence is currently insufficient to determine the role of this variant in disease. Therefore, it has been classified as a Variant of Uncertain Significance. This sequence change replaces arginine, which is basic and polar, with proline, which is neutral and non-polar, at codon 326 of the KBTBD13 protein (p.Arg326Pro). This variant is not present in population databases (gnomAD no frequency). This variant has not been reported in the literature in individuals affected with KBTBD13-related conditions. ClinVar contains an entry for this variant (Variation ID: 464364).

NM_001101362.3(KBTBD13):c.977G>C (p.Arg326Pro)

Gene: KBTBD13 (kelch repeat and BTB domain containing 13; plus strand). Cytogenetic location: 15q22.31.
Variant type: single nucleotide variant.
Coding change: c.977G>C on transcript NM_001101362.3 (MANE Select); coding-DNA position 977, G replaced by C.
Protein change: p.Arg326Pro; replaces arginine 326 with proline.
Molecular consequence: missense variant.
Genome position (GRCh38, 1-based): chr15:65,077,792, G>C. VCF-style: chr15-65077792-G-C. GRCh37 (hg19) VCF-style: chr15-65370130-G-C.
Other names: short protein forms R326P.
Identifiers: ClinVar variation 464364 (VCV000464364.10), dbSNP rs779729198, ClinGen allele CA392864822.